The following is an entry in ClinVar:

ClinVar aggregate classification (germline): Benign/Likely benign. Review status: criteria provided, multiple submitters, no conflicts (2 of 4 stars). 4 submissions from 4 submitters: Benign (2); Likely benign (2). Last evaluated 2026-02-01.

Conditions:
Spastic paraplegia. Identifiers: MedGen C0037772, HP:0001258.

Allele frequency attached by ClinVar (database versions not stated): ESP Exome Variant Server 0.00008; TOPMed 0.00014; 1000 Genomes Project 30x 0.00016; 1000 Genomes Project 0.00020; gnomAD 0.00021 and 0.00023; ExAC 0.00023; gnomAD exomes 0.00031.
gnomAD v4.1: 342 of 1,614,222 alleles (0.021%); highest among the groups gnomAD compares: Middle Eastern, 0.12%; 3 homozygotes.

Submissions (4):

Labcorp Genetics (formerly Invitae), Labcorp
Classification: Benign for Spastic paraplegia. Last evaluated: 2026-02-01. Review status: criteria provided, single submitter. Criteria: Invitae Variant Classification Sherloc (09022015). Collection method: clinical testing. Allele origin: germline.

CeGaT Center for Human Genetics Tuebingen
Classification: Likely benign. Last evaluated: 2025-10-01. Review status: criteria provided, single submitter. Criteria: CeGaT Center For Human Genetics Tuebingen Variant Classification Criteria Version 2. Collection method: clinical testing. Allele origin: germline. Affected: yes. Observed: 4 variant alleles.
Comment: KIF5A: BP4, BP7

Blueprint Genetics
Classification: Likely benign. Last evaluated: 2024-11-27. Review status: criteria provided, single submitter. Criteria: ACMG Guidelines, 2015. Collection method: clinical testing. Allele origin: germline.

Mayo Clinic Laboratories, Mayo Clinic
Classification: Benign. Last evaluated: 2023-10-10. Review status: criteria provided, single submitter. Criteria: ACMG Guidelines, 2015. Collection method: clinical testing. Allele origin: germline. Observed: 2 variant alleles.
Comment: BS1, BS2, BP4, BP7

NM_004984.4(KIF5A):c.60C>T (p.Asn20=)

Gene: KIF5A (kinesin family member 5A; plus strand). Cytogenetic location: 12q13.3.
Variant type: single nucleotide variant.
Coding change: c.60C>T on transcript NM_004984.4 (MANE Select); coding-DNA position 60, C replaced by T.
Protein change: p.Asn20=; no amino-acid change (asparagine 20 retained).
Molecular consequence: synonymous variant.
Genome position (GRCh38, 1-based): chr12:57,550,331, C>T. VCF-style: chr12-57550331-C-T. GRCh37 (hg19) VCF-style: chr12-57944114-C-T.
Other names: p.Asn20=; c.60C>T, p.Asn20= (NM_001354705.2).
Identifiers: ClinVar variation 701258 (VCV000701258.35), dbSNP rs200876187, ClinGen allele CA6652493.
Genomic context (GRCh38, chr12:57,550,331, plus strand): 5'-CATGGCGGAGACCAACAACGAATGTAGCATCAAGGTGCTCTGCCGATTCCGGCCCCTGAA[C>T]CAGGCTGAGATTCTGCGGGGAGACAAGTTCATCCCCATTTTCCAAGGGGACGACAGCGTC-3'
Protein context (NP_004975.2, residues 10-30): IKVLCRFRPL[Asn20=]QAEILRGDKF